The following is an entry in ClinVar:

NM_031935.3(HMCN1):c.15890G>A (p.Arg5297His)

Gene: HMCN1 (hemicentin 1; plus strand). Cytogenetic location: 1q31.1.
Variant type: single nucleotide variant.
Coding change: c.15890G>A on transcript NM_031935.3 (MANE Select); coding-DNA position 15890, G replaced by A.
Protein change: p.Arg5297His; replaces arginine 5297 with histidine.
Molecular consequence: missense variant.
Genome position (GRCh38, 1-based): chr1:186,174,589, G>A. VCF-style: chr1-186174589-G-A. GRCh37 (hg19) VCF-style: chr1-186143721-G-A.
Other names: short protein forms R5297H.
Identifiers: ClinVar variation 2417647 (VCV002417647.6), dbSNP rs138984150, ClinGen allele CA1295415.

ClinVar aggregate classification (germline): Uncertain significance (1 of 4 stars; one submission).

Allele frequency attached by ClinVar (database versions not stated): ExAC 0.00002; TOPMed 0.00004; gnomAD 0.00005; gnomAD exomes 0.00005; ESP Exome Variant Server 0.00008.
gnomAD v4.1: 80 of 1,613,808 alleles (0.005%); highest among the groups gnomAD compares: Middle Eastern, 0.033%; no homozygotes.

Submission:

Labcorp Genetics (formerly Invitae), Labcorp
Classification: Uncertain significance. Last evaluated: 2026-01-19. Review status: criteria provided, single submitter. Criteria: Invitae Variant Classification Sherloc (09022015). Collection method: clinical testing. Allele origin: germline.
Comment: This sequence change replaces arginine, which is basic and polar, with histidine, which is basic and polar, at codon 5297 of the HMCN1 protein (p.Arg5297His). This variant is present in population databases (rs138984150, gnomAD 0.005%). This variant has not been reported in the literature in individuals affected with HMCN1-related conditions. ClinVar contains an entry for this variant (Variation ID: 2417647). An algorithm developed to predict the effect of missense changes on protein structure and function outputs the following: PolyPhen-2: "Possibly Damaging". The histidine amino acid residue is found in multiple mammalian species, which suggests that this missense change does not adversely affect protein function. In summary, the available evidence is currently insufficient to determine the role of this variant in disease. Therefore, it has been classified as a Variant of Uncertain Significance.